The following is an entry in ClinVar:

NM_014712.3(SETD1A):c.2773C>G (p.Pro925Ala)

Gene: SETD1A (SET domain containing 1A, histone lysine methyltransferase; plus strand). Cytogenetic location: 16p11.2.
Variant type: single nucleotide variant.
Coding change: c.2773C>G on transcript NM_014712.3 (MANE Select); coding-DNA position 2773, C replaced by G.
Protein change: p.Pro925Ala; replaces proline 925 with alanine.
Molecular consequence: missense variant.
Genome position (GRCh38, 1-based): chr16:30,969,307, C>G. VCF-style: chr16-30969307-C-G. GRCh37 (hg19) VCF-style: chr16-30980628-C-G.
Other names: short protein forms P925A.
Identifiers: ClinVar variation 4875369 (VCV004875369.2).

ClinVar aggregate classification (germline): Likely benign (1 of 4 stars; one submission).

gnomAD v4.1: 3 of 1,613,508 alleles (0.00019%); highest among the groups gnomAD compares: Non-Finnish European, 0.00017%; no homozygotes.

Submission:

CeGaT Center for Human Genetics Tuebingen
Classification: Likely benign. Last evaluated: 2026-06-01. Review status: criteria provided, single submitter. Criteria: CeGaT Center For Human Genetics Tuebingen Variant Classification Criteria Version 2. Collection method: clinical testing. Allele origin: germline. Affected: yes. Observed: 1 variant allele.
Comment: SETD1A: BP4, BS2